The following is an entry in ClinVar:

NM_015331.3(NCSTN):c.1375A>G (p.Thr459Ala)

Gene: NCSTN (nicastrin; plus strand). Cytogenetic location: 1q23.2.
Variant type: single nucleotide variant.
Coding change: c.1375A>G on transcript NM_015331.3 (MANE Select); coding-DNA position 1375, A replaced by G.
Protein change: p.Thr459Ala; replaces threonine 459 with alanine.
Molecular consequence: missense variant.
Genome position (GRCh38, 1-based): chr1:160,355,677, A>G. VCF-style: chr1-160355677-A-G. GRCh37 (hg19) VCF-style: chr1-160325467-A-G.
Other names: c.1315A>G, p.Thr439Ala (NM_001290184.2); c.961A>G, p.Thr321Ala (NM_001290186.2); c.1375A>G, p.Thr459Ala (NM_001349729.2); short protein forms T459A, T321A, T439A.
Identifiers: ClinVar variation 2904549 (VCV002904549.3), dbSNP rs2525546422, ClinGen allele CA343281765.

ClinVar aggregate classification (germline): Uncertain significance (1 of 4 stars; one submission).

Allele frequency attached by ClinVar (database versions not stated): gnomAD exomes below 0.00001.
gnomAD v4.1: 1 of 1,614,136 alleles (0.000062%); highest among the groups gnomAD compares: African/African-American, 0.0013%; no homozygotes.

Submission:

Labcorp Genetics (formerly Invitae), Labcorp
Classification: Uncertain significance. Last evaluated: 2024-02-19. Review status: criteria provided, single submitter. Criteria: Invitae Variant Classification Sherloc (09022015). Collection method: clinical testing. Allele origin: germline.
Comment: This sequence change replaces threonine, which is neutral and polar, with alanine, which is neutral and non-polar, at codon 459 of the NCSTN protein (p.Thr459Ala). This variant is not present in population databases (gnomAD no frequency). This variant has not been reported in the literature in individuals affected with NCSTN-related conditions. Advanced modeling of protein sequence and biophysical properties (such as structural, functional, and spatial information, amino acid conservation, physicochemical variation, residue mobility, and thermodynamic stability) performed at Invitae indicates that this missense variant is expected to disrupt NCSTN protein function with a positive predictive value of 80%. In summary, the available evidence is currently insufficient to determine the role of this variant in disease. Therefore, it has been classified as a Variant of Uncertain Significance.